The following is an entry in ClinVar:

ClinVar aggregate classification (germline): Uncertain significance (1 of 4 stars; one submission).

Conditions:
Androgen resistance syndrome (AIS). Also called: TESTICULAR FEMINIZATION SYNDROME; Androgen insensitivity, complete; Androgen insensitivity syndrome; Androgen insensitivity syndrome due to coactivator deficiency; DHTR DEFICIENCY; ANDROGEN RECEPTOR DEFICIENCY. Identifiers: Orphanet 754, Orphanet 99429, MedGen C0039585, MONDO:0019154, OMIM 300068. Disease mechanism: loss of function.
Kennedy disease (SMAX1). Also called: KENNEDY SPINAL AND BULBAR MUSCULAR ATROPHY; Spinal and Bulbar Muscular Atrophy; SPINAL AND BULBAR MUSCULAR ATROPHY, X-LINKED 1. Identifiers: Orphanet 481, MedGen C1839259, MONDO:0010735, OMIM 313200.

Submission:

Labcorp Genetics (formerly Invitae), Labcorp
Classification: Uncertain significance for Kennedy disease; Androgen resistance syndrome. Last evaluated: 2022-07-25. Review status: criteria provided, single submitter. Criteria: Invitae Variant Classification Sherloc (09022015). Collection method: clinical testing. Allele origin: germline.
Comment: In summary, the available evidence is currently insufficient to determine the role of this variant in disease. Therefore, it has been classified as a Variant of Uncertain Significance. This variant disrupts the p.Cys620 amino acid residue in AR. Other variant(s) that disrupt this residue have been observed in individuals with AR-related conditions (PMID: 20150575, 31429517), which suggests that this may be a clinically significant amino acid residue. Algorithms developed to predict the effect of missense changes on protein structure and function are either unavailable or do not agree on the potential impact of this missense change (SIFT: "Deleterious"; PolyPhen-2: "Possibly Damaging"; Align-GVGD: "Class C0"). ClinVar contains an entry for this variant (Variation ID: 854942). This missense change has been observed in individual(s) with androgen insensitivity syndrome (Invitae). This variant is not present in population databases (gnomAD no frequency). This sequence change replaces cysteine, which is neutral and slightly polar, with tyrosine, which is neutral and polar, at codon 620 of the AR protein (p.Cys620Tyr).

Literature cited by the submitters: PubMed 20150575; PubMed 31429517.

NM_000044.6(AR):c.1859G>A (p.Cys620Tyr)

Gene: AR (androgen receptor; plus strand). Cytogenetic location: Xq12.
Variant type: single nucleotide variant.
Coding change: c.1859G>A on transcript NM_000044.6 (MANE Select); coding-DNA position 1859, G replaced by A.
Protein change: p.Cys620Tyr; replaces cysteine 620 with tyrosine.
Molecular consequence: missense variant. On other transcripts: 3 prime UTR variant (1).
Genome position (GRCh38, 1-based): chrX:67,686,100, G>A. VCF-style: chrX-67686100-G-A. GRCh37 (hg19) VCF-style: chrX-66905942-G-A.
Other names: c.263G>A, p.Cys88Tyr (NM_001011645.3); c.1859G>A, p.Cys620Tyr (NM_001348061.1, NM_001348063.1); c.*57G>A (NM_001348064.1); short protein forms C88Y, C620Y.
Identifiers: ClinVar variation 854942 (VCV000854942.9), dbSNP rs1312745277, ClinGen allele CA413429329.
Genomic context (GRCh38, chrX:67,686,100, plus strand): 5'-ATGATTGCACTATTGATAAATTCCGAAGGAAAAATTGTCCATCTTGTCGTCTTCGGAAAT[G>A]TTATGAAGCAGGGATGACTCTGGGAGGTAAGATACTTTTCTTTCTCTTCCTCCTCCTTCC-3'
Protein context (NP_000035.2, residues 610-630): KNCPSCRLRK[Cys620Tyr]YEAGMTLGAR